The following is an entry in ClinVar:

ClinVar aggregate classification (germline): Uncertain significance (1 of 4 stars; one submission).

Conditions:
Kennedy disease (SMAX1). Also called: SPINAL AND BULBAR MUSCULAR ATROPHY, X-LINKED 1; KENNEDY SPINAL AND BULBAR MUSCULAR ATROPHY; Spinal and Bulbar Muscular Atrophy. Identifiers: Orphanet 481, MedGen C1839259, MONDO:0010735, OMIM 313200.
Androgen resistance syndrome (AIS). Also called: ANDROGEN RECEPTOR DEFICIENCY; DIHYDROTESTOSTERONE RECEPTOR DEFICIENCY; Androgen insensitivity; DHTR DEFICIENCY; TESTICULAR FEMINIZATION SYNDROME; Androgen insensitivity syndrome. Identifiers: Orphanet 754, Orphanet 99429, MedGen C0039585, MONDO:0019154, OMIM 300068. Disease mechanism: loss of function.

Submission:

Labcorp Genetics (formerly Invitae), Labcorp
Classification: Uncertain significance for Kennedy disease; Androgen resistance syndrome. Last evaluated: 2021-04-08. Review status: criteria provided, single submitter. Criteria: Invitae Variant Classification Sherloc (09022015). Collection method: clinical testing. Allele origin: germline.
Comment: This variant disrupts the p.Cys580 amino acid residue in AR. Other variant(s) that disrupt this residue have been determined to be pathogenic (PMID: 8809734, Invitae). This suggests that this residue is clinically significant, and that variants that disrupt this residue are likely to be disease-causing. Algorithms developed to predict the effect of missense changes on protein structure and function are either unavailable or do not agree on the potential impact of this missense change (SIFT: "Deleterious"; PolyPhen-2: "Probably Damaging"; Align-GVGD: "Class C0"). This variant has not been reported in the literature in individuals with AR-related conditions. This variant is not present in population databases (ExAC no frequency). This sequence change replaces cysteine with serine at codon 580 of the AR protein (p.Cys580Ser). The cysteine residue is highly conserved and there is a moderate physicochemical difference between cysteine and serine. In summary, the available evidence is currently insufficient to determine the role of this variant in disease. Therefore, it has been classified as a Variant of Uncertain Significance.

Literature cited by the submitters: PubMed 8809734.

NM_000044.6(AR):c.1738T>A (p.Cys580Ser)

Gene: AR (androgen receptor; plus strand). Cytogenetic location: Xq12.
Variant type: single nucleotide variant.
Coding change: c.1738T>A on transcript NM_000044.6 (MANE Select); coding-DNA position 1738, T replaced by A.
Protein change: p.Cys580Ser; replaces cysteine 580 with serine.
Molecular consequence: missense variant. On other transcripts: intron variant (1).
Genome position (GRCh38, 1-based): chrX:67,643,377, T>A. VCF-style: chrX-67643377-T-A. GRCh37 (hg19) VCF-style: chrX-66863219-T-A.
Other names: c.142T>A, p.Cys48Ser (NM_001011645.3); c.1738T>A, p.Cys580Ser (NM_001348061.1, NM_001348063.1); c.1617-42564T>A (NM_001348064.1); short protein forms C580S, C48S.
Identifiers: ClinVar variation 1512041 (VCV001512041.8), dbSNP rs2147436595, ClinGen allele CA413422864.
Genomic context (GRCh38, chrX:67,643,377, plus strand): 5'-TGCCTGATCTGTGGAGATGAAGCTTCTGGGTGTCACTATGGAGCTCTCACATGTGGAAGC[T>A]GCAAGGTCTTCTTCAAAAGAGCCGCTGAAGGTAAAGGGTCTTGCACATGCACTTCTCTTT-3'
Protein context (NP_000035.2, residues 570-590): CHYGALTCGS[Cys580Ser]KVFFKRAAEG